The following is an entry in ClinVar:

ClinVar aggregate classification (germline): Uncertain significance (1 of 4 stars; one submission).

Allele frequency attached by ClinVar (database versions not stated): gnomAD exomes below 0.00001.
gnomAD v4.1: 9 of 1,614,122 alleles (0.00056%); highest among the groups gnomAD compares: Non-Finnish European, 0.00076%; no homozygotes.

Submission:

GeneDx
Classification: Uncertain significance. Last evaluated: 2014-05-22. Review status: criteria provided, single submitter. Criteria: GeneDx Variant Classification (06012015). Collection method: clinical testing. Allele origin: germline. Affected: yes.
Comment: p.Arg294Trp (CGG>TGG): c.880 C>T in exon 7 of the SCARB2 gene (NM_005506.3)A variant of unknown significance has been identified in the SCARB2 gene. The R294W variant has not been published as a mutation, nor has it been reported as a benign polymorphism to our knowledge. It was not observed in approximately 6,500 individuals of European and African American ancestry in the NHLBI Exome Sequencing Project, indicating it is not a common benign variant in these populations. The R294W variant is a non-conservative amino acid substitution, which is likely to impact secondary protein structure as these residues differ in polarity, charge, size and/or other properties. It alters a conserved position in the lumenal domain of the SCARB2 protein. In silico analysis predicts this variant is probably damaging to the protein structure/function. However, missense mutations in nearby residues have not been reported in association with SCARB2-related disorders. Therefore, based on the currently available information, it is unclear whether this variant is a pathogenic mutation or a rare benign variant. The variant is found in EPILEPSY panel(s).

NM_005506.4(SCARB2):c.880C>T (p.Arg294Trp)

Gene: SCARB2 (scavenger receptor class B member 2; minus strand). Cytogenetic location: 4q21.1.
Variant type: single nucleotide variant.
Coding change: c.880C>T on transcript NM_005506.4 (MANE Select); coding-DNA position 880, C replaced by T.
Protein change: p.Arg294Trp; replaces arginine 294 with tryptophan.
Molecular consequence: missense variant.
Genome position (GRCh38, 1-based): chr4:76,174,258, G>A on the plus strand (C>T on the coding strand, the complement: SCARB2 is on the minus strand). VCF-style: chr4-76174258-G-A. GRCh37 (hg19) VCF-style: chr4-77095411-G-A.
Other names: p.R294W:CGG>TGG; c.451C>T, p.Arg151Trp (NM_001204255.2); short protein forms R294W, R151W.
Identifiers: ClinVar variation 206713 (VCV000206713.2), dbSNP rs796052947, ClinGen allele CA317072.